The following is an entry in ClinVar:

ClinVar aggregate classification (germline): Uncertain significance (1 of 4 stars; one submission).

Conditions:
Long QT syndrome (LQTS). Identifiers: MedGen C0023976, MeSH D008133, MONDO:0002442. Disease mechanism: loss of function. Inheritance: Various modes of inheritance.

Submission:

Labcorp Genetics (formerly Invitae), Labcorp
Classification: Uncertain significance for Long QT syndrome. Last evaluated: 2024-05-18. Review status: criteria provided, single submitter. Criteria: Invitae Variant Classification Sherloc (09022015). Collection method: clinical testing. Allele origin: germline.
Comment: This sequence change replaces leucine, which is neutral and non-polar, with valine, which is neutral and non-polar, at codon 203 of the KCNQ1 protein (p.Leu203Val). This variant is not present in population databases (gnomAD no frequency). This variant has not been reported in the literature in individuals affected with KCNQ1-related conditions. An algorithm developed to predict the effect of missense changes on protein structure and function (PolyPhen-2) suggests that this variant is likely to be disruptive. In summary, the available evidence is currently insufficient to determine the role of this variant in disease. Therefore, it has been classified as a Variant of Uncertain Significance.

NM_000218.3(KCNQ1):c.607C>G (p.Leu203Val)

Gene: KCNQ1 (potassium voltage-gated channel subfamily Q member 1; plus strand). Cytogenetic location: 11p15.5.
Variant type: single nucleotide variant.
Coding change: c.607C>G on transcript NM_000218.3 (MANE Select); coding-DNA position 607, C replaced by G.
Protein change: p.Leu203Val; replaces leucine 203 with valine.
Molecular consequence: missense variant. On other transcripts: intron variant (1).
Genome position (GRCh38, 1-based): chr11:2,571,327, C>G. VCF-style: chr11-2571327-C-G. GRCh37 (hg19) VCF-style: chr11-2592557-C-G.
Other names: c.607C>G, p.Leu203Val (NM_001406836.1); c.337C>G, p.Leu113Val (NM_001406837.1); c.226C>G, p.Leu76Val (NM_181798.2); c.478-12108C>G (NM_001406838.1); short protein forms L203V, L113V, L76V.
Identifiers: ClinVar variation 3653763 (VCV003653763.2).